The following is an entry in ClinVar:

NM_001110556.2(FLNA):c.6220G>A (p.Asp2074Asn)

Gene: FLNA (filamin A; minus strand). Cytogenetic location: Xq28.
Variant type: single nucleotide variant.
Coding change: c.6220G>A on transcript NM_001110556.2 (MANE Select); coding-DNA position 6220, G replaced by A.
Protein change: p.Asp2074Asn; replaces aspartic acid 2074 with asparagine.
Molecular consequence: missense variant.
Genome position (GRCh38, 1-based): chrX:154,353,007, C>T on the plus strand (G>A on the coding strand, the complement: FLNA is on the minus strand). VCF-style: chrX-154353007-C-T. GRCh37 (hg19) VCF-style: chrX-153581375-C-T.
Other names: c.6196G>A, p.Asp2066Asn (NM_001456.4); short protein forms D2066N, D2074N.
Identifiers: ClinVar variation 533579 (VCV000533579.15), dbSNP rs371611462, ClinGen allele CA10560147.

ClinVar aggregate classification (germline): Likely benign. Review status: criteria provided, multiple submitters, no conflicts (2 of 4 stars). 5 submissions from 5 submitters: Likely benign (5). Last evaluated 2025-12-29.

Conditions:
Oto-palato-digital syndrome, type II (OPD2). Also called: Otopalatodigital Syndrome Type 2 (FLNA-OPD2); Otopalatodigital Syndrome, Type II; OPD II SYNDROME; FACIOPALATOOSSEOUS SYNDROME. Identifiers: Orphanet 669, Orphanet 90652, MedGen C1844696, MONDO:0010571, OMIM 304120.
Heterotopia, periventricular, X-linked dominant (PVNH1). Also called: PERIVENTRICULAR NODULAR HETEROTOPIA 1; PERIVENTRICULAR NODULAR HETEROTOPIA 4; HETEROTOPIA, PERIVENTRICULAR, 1; X-linked periventricular heterotopia. Identifiers: Orphanet 2149, Orphanet 82004, MedGen C1848213, MONDO:0010233, OMIM 300049.
Melnick-Needles syndrome (MNS). Also called: Melnick-Needles Syndrome (FLNA-MNS); OSTEODYSPLASTY OF MELNICK AND NEEDLES; MELNICK-NEEDLES OSTEODYSPLASTY. Identifiers: Orphanet 2484, MedGen C0025237, MONDO:0010650, OMIM 309350.
Frontometaphyseal dysplasia (FMD1). Identifiers: Orphanet 1826, MedGen C0265293, MONDO:0015942.
Familial thoracic aortic aneurysm and aortic dissection (TAAD). Also called: Thoracic aortic aneurysms and dissections. Identifiers: Orphanet 91387, MedGen C4707243, MONDO:0019625.

Allele frequency attached by ClinVar (database versions not stated): ExAC 0.00003; gnomAD 0.00003; gnomAD exomes 0.00004 and 0.00007; TOPMed 0.00005; ESP Exome Variant Server 0.00010.
gnomAD v4.1: 83 of 1,209,293 alleles (0.0069%); highest among the groups gnomAD compares: East Asian, 0.0089%; no homozygotes.

Submissions (5):

Labcorp Genetics (formerly Invitae), Labcorp
Classification: Likely benign for Oto-palato-digital syndrome, type II; Heterotopia, periventricular, X-linked dominant; Frontometaphyseal dysplasia; Melnick-Needles syndrome. Last evaluated: 2025-12-29. Review status: criteria provided, single submitter. Criteria: Invitae Variant Classification Sherloc (09022015). Collection method: clinical testing. Allele origin: germline.

Blueprint Genetics
Classification: Likely benign. Last evaluated: 2024-11-28. Review status: criteria provided, single submitter. Criteria: ACMG Guidelines, 2015. Collection method: clinical testing. Allele origin: germline.

Ambry Genetics
Classification: Likely benign for Familial thoracic aortic aneurysm and aortic dissection. Last evaluated: 2024-05-08. Review status: criteria provided, single submitter. Criteria: Ambry Variant Classification Scheme 2023. Collection method: clinical testing. Allele origin: germline.

Women's Health and Genetics/Laboratory Corporation of America, LabCorp
Classification: Likely benign. Last evaluated: 2024-02-26. Review status: criteria provided, single submitter. Criteria: LabCorp Variant Classification Summary - May 2015. Collection method: clinical testing. Allele origin: germline.
Comment: Variant summary: FLNA c.6220G>A (p.Asp2074Asn) results in a conservative amino acid change in the encoded protein sequence. Four of five in-silico tools predict a benign effect of the variant on protein function. The variant allele was found at a frequency of 6.9e-05 in 1209293 control chromosomes including 28 hemizygotes (gnomAD v4.0.0). The observed variant frequency is approximately 200 fold of the estimated maximal expected allele frequency for a pathogenic variant in FLNA causing Periventricular Nodular Heterotopia phenotype (3.1e-07), strongly suggesting that the variant is benign. To our knowledge, no occurrence of c.6220G>A in individuals affected with Periventricular Nodular Heterotopia and no experimental evidence demonstrating its impact on protein function have been reported. ClinVar contains an entry for this variant (Variation ID: 533579). Based on the evidence outlined above, the variant was classified as likely benign.

GeneDx
Classification: Likely benign. Last evaluated: 2020-01-24. Review status: criteria provided, single submitter. Criteria: GeneDx Variant Classification Process June 2021. Collection method: clinical testing. Allele origin: germline. Affected: yes.